The following is an entry in ClinVar:

NM_032806.6(POMGNT2):c.1124C>T (p.Thr375Ile)

Gene: POMGNT2 (protein O-linked mannose N-acetylglucosaminyltransferase 2 (beta 1,4-); minus strand). Cytogenetic location: 3p22.1.
Variant type: single nucleotide variant.
Coding change: c.1124C>T on transcript NM_032806.6 (MANE Select); coding-DNA position 1124, C replaced by T.
Protein change: p.Thr375Ile; replaces threonine 375 with isoleucine.
Molecular consequence: missense variant.
Genome position (GRCh38, 1-based): chr3:43,080,308, G>A on the plus strand (C>T on the coding strand, the complement: POMGNT2 is on the minus strand). VCF-style: chr3-43080308-G-A. GRCh37 (hg19) VCF-style: chr3-43121800-G-A.
Other names: c.1124C>T (NM_032806.4); short protein forms T375I.
Identifiers: ClinVar variation 1414904 (VCV001414904.6), dbSNP rs762080004, ClinGen allele CA2339924.

ClinVar aggregate classification (germline): Uncertain significance. Review status: criteria provided, multiple submitters, no conflicts (2 of 4 stars). 2 submissions from 2 submitters: Uncertain significance (2). Last evaluated 2025-08-03.

Conditions:
Inborn genetic diseases. Identifiers: MedGen C0950123, MeSH D030342.
Muscular dystrophy-dystroglycanopathy (congenital with brain and eye anomalies), type a, 8 (MDDGA8). Also called: WALKER-WARBURG SYNDROME OR MUSCLE-EYE-BRAIN DISEASE, GTDC2-RELATED. Identifiers: Orphanet 899, MedGen C3553813, MONDO:0013904, OMIM 614830.

Allele frequency attached by ClinVar (database versions not stated): ExAC 0.00001; gnomAD 0.00002; gnomAD exomes 0.00002; TOPMed 0.00004.
gnomAD v4.1: 31 of 1,614,114 alleles (0.0019%); highest among the groups gnomAD compares: Non-Finnish European, 0.0025%; no homozygotes.

Submissions (2):

Ambry Genetics
Classification: Uncertain significance for Inborn genetic diseases. Last evaluated: 2025-08-03. Review status: criteria provided, single submitter. Criteria: Ambry Variant Classification Scheme 2023. Collection method: clinical testing. Allele origin: germline.

Labcorp Genetics (formerly Invitae), Labcorp
Classification: Uncertain significance for Muscular dystrophy-dystroglycanopathy (congenital with brain and eye anomalies), type a, 8. Last evaluated: 2021-09-01. Review status: criteria provided, single submitter. Criteria: Invitae Variant Classification Sherloc (09022015). Collection method: clinical testing. Allele origin: germline.
Comment: This sequence change replaces threonine with isoleucine at codon 375 of the POMGNT2 protein (p.Thr375Ile). The threonine residue is highly conserved and there is a moderate physicochemical difference between threonine and isoleucine. This variant is present in population databases (rs762080004, ExAC 0.01%). This variant has not been reported in the literature in individuals affected with POMGNT2-related conditions. Algorithms developed to predict the effect of missense changes on protein structure and function are either unavailable or do not agree on the potential impact of this missense change (SIFT: "Deleterious"; PolyPhen-2: "Probably Damaging"; Align-GVGD: "Class C0"). In summary, the available evidence is currently insufficient to determine the role of this variant in disease. Therefore, it has been classified as a Variant of Uncertain Significance.